The following is an entry in ClinVar:

NM_020693.4(DSCAML1):c.743C>T (p.Thr248Ile)

Gene: DSCAML1 (DS cell adhesion molecule like 1; minus strand). Cytogenetic location: 11q23.3.
Variant type: single nucleotide variant.
Coding change: c.743C>T on transcript NM_020693.4 (MANE Select); coding-DNA position 743, C replaced by T.
Protein change: p.Thr248Ile; replaces threonine 248 with isoleucine.
Molecular consequence: missense variant.
Genome position (GRCh38, 1-based): chr11:117,524,999, G>A on the plus strand (C>T on the coding strand, the complement: DSCAML1 is on the minus strand). VCF-style: chr11-117524999-G-A. GRCh37 (hg19) VCF-style: chr11-117395714-G-A.
Other names: c.743C>T, p.Thr248Ile (NM_001367904.1); c.335C>T, p.Thr112Ile (NM_001367905.1); short protein forms T112I, T248I.
Identifiers: ClinVar variation 3605422 (VCV003605422.2).
Genomic context (GRCh38, chr11:117,524,999, plus strand): 5'-GCCGGGAGGGGCCGGCCATCCTTGAGCCAGCGGATGGCGGGGATAGGGTAGCCCGAGGCG[G>A]TGCAGGGCAGCTCCACGGTGTGGCCGGCCCACACTTCCTGGGAGTGGAAGCCATCCAGGA-3'
Protein context (NP_065744.3, residues 238-258): WAGHTVELPC[Thr248Ile]ASGYPIPAIR

ClinVar aggregate classification (germline): Uncertain significance (1 of 4 stars; one submission).

gnomAD v4.1: 4 of 1,610,618 alleles (0.00025%); highest among the groups gnomAD compares: Non-Finnish European, 0.00034%; no homozygotes.

Submission:

Labcorp Genetics (formerly Invitae), Labcorp
Classification: Uncertain significance. Last evaluated: 2024-03-01. Review status: criteria provided, single submitter. Criteria: Invitae Variant Classification Sherloc (09022015). Collection method: clinical testing. Allele origin: germline.
Comment: This sequence change replaces threonine, which is neutral and polar, with isoleucine, which is neutral and non-polar, at codon 308 of the DSCAML1 protein (p.Thr308Ile). This variant is not present in population databases (gnomAD no frequency). This variant has not been reported in the literature in individuals affected with DSCAML1-related conditions. An algorithm developed to predict the effect of missense changes on protein structure and function (PolyPhen-2) suggests that this variant is likely to be tolerated. In summary, the available evidence is currently insufficient to determine the role of this variant in disease. Therefore, it has been classified as a Variant of Uncertain Significance.